The following is an entry in ClinVar:

ClinVar aggregate classification (germline): Benign/Likely benign. Review status: criteria provided, multiple submitters, no conflicts (2 of 4 stars). 5 submissions from 5 submitters: Benign (2); Likely benign (2). 1 of the submissions does not count toward it. Last evaluated 2025-12-01.

Conditions:
ZFHX4-related disorder. Also called: ZFHX4-related condition.

Allele frequency attached by ClinVar (database versions not stated): 1000 Genomes Project 30x 0.00390; gnomAD 0.00411 and 0.00445; TOPMed 0.00479; gnomAD exomes 0.00118; ExAC 0.00138; ESP Exome Variant Server 0.00299; 1000 Genomes Project 0.00339.
gnomAD v4.1: 1,324 of 1,613,736 alleles (0.082%); highest among the groups gnomAD compares: African/African-American, 1.3%; 4 homozygotes.

Submissions (5):

CeGaT Center for Human Genetics Tuebingen
Classification: Likely benign. Last evaluated: 2025-12-01. Review status: criteria provided, single submitter. Criteria: CeGaT Center For Human Genetics Tuebingen Variant Classification Criteria Version 2. Collection method: clinical testing. Allele origin: germline. Affected: yes. Observed: 1 variant allele.
Comment: ZFHX4: BP4, BP7, BS1

Blueprint Genetics
Classification: Likely benign. Last evaluated: 2024-11-18. Review status: criteria provided, single submitter. Criteria: ACMG Guidelines, 2015. Collection method: clinical testing. Allele origin: germline.

Labcorp Genetics (formerly Invitae), Labcorp
Classification: Benign. Last evaluated: 2019-12-31. Review status: criteria provided, single submitter. Criteria: Invitae Variant Classification Sherloc (09022015). Collection method: clinical testing. Allele origin: germline.

Breakthrough Genomics
Classification: Benign. Review status: criteria provided, single submitter. Criteria: ACMG Guidelines, 2015. Collection method: not provided. Allele origin: germline. Inheritance: Autosomal dominant inheritance. Affected: yes.

PreventionGenetics, part of Exact Sciences
Classification: Benign for ZFHX4-related condition. Last evaluated: 2019-04-11. Review status: no assertion criteria provided. Collection method: clinical testing. Allele origin: germline. Not counted in ClinVar's aggregate classification.
Comment: This variant is classified as benign based on ACMG/AMP sequence variant interpretation guidelines (Richards et al. 2015 PMID: 25741868, with internal and published modifications).

NM_024721.5(ZFHX4):c.3150C>T (p.Ala1050=)

Gene: ZFHX4 (zinc finger homeobox 4; plus strand). Cytogenetic location: 8q21.13.
Variant type: single nucleotide variant.
Coding change: c.3150C>T on transcript NM_024721.5 (MANE Select); coding-DNA position 3150, C replaced by T.
Protein change: p.Ala1050=; no amino-acid change (alanine 1050 retained).
Molecular consequence: synonymous variant.
Genome position (GRCh38, 1-based): chr8:76,778,264, C>T. VCF-style: chr8-76778264-C-T. GRCh37 (hg19) VCF-style: chr8-77690500-C-T.
Identifiers: ClinVar variation 715619 (VCV000715619.13), dbSNP rs144357822, ClinGen allele CA4787174.